The following is an entry in ClinVar:

ClinVar aggregate classification (germline): Uncertain significance. Review status: criteria provided, multiple submitters, no conflicts (2 of 4 stars). 3 submissions from 3 submitters: Uncertain significance (3). Last evaluated 2022-03-15.

Conditions:
Luscan-Lumish syndrome. Identifiers: Orphanet 597738, MedGen C4085873, MONDO:0014791, OMIM 616831.

Allele frequency attached by ClinVar (database versions not stated): gnomAD 0.00001 and 0.00003; gnomAD exomes 0.00002 and 0.00005; ExAC 0.00018; 1000 Genomes Project 0.00040; 1000 Genomes Project 30x 0.00047.
gnomAD v4.1: 33 of 1,551,674 alleles (0.0021%); highest among the groups gnomAD compares: South Asian, 0.03%; no homozygotes.

Submissions (3):

Genome-Nilou Lab
Classification: Uncertain significance for Luscan-Lumish syndrome. Last evaluated: 2022-03-15. Review status: criteria provided, single submitter. Criteria: ACMG Guidelines, 2015. Collection method: clinical testing. Allele origin: germline. Affected: no.

Labcorp Genetics (formerly Invitae), Labcorp
Classification: Uncertain significance for Luscan-Lumish syndrome. Last evaluated: 2020-08-02. Review status: criteria provided, single submitter. Criteria: Invitae Variant Classification Sherloc (09022015). Collection method: clinical testing. Allele origin: germline.
Comment: In summary, the available evidence is currently insufficient to determine the role of this variant in disease. Therefore, it has been classified as a Variant of Uncertain Significance. Algorithms developed to predict the effect of missense changes on protein structure and function are either unavailable or do not agree on the potential impact of this missense change (SIFT: "Deleterious"; PolyPhen-2: "Probably Damaging"; Align-GVGD: "Class C0"). This variant has not been reported in the literature in individuals with SETD2-related conditions. This variant is present in population databases (rs546591954, ExAC 0.05%). This sequence change replaces tyrosine with cysteine at codon 419 of the SETD2 protein (p.Tyr419Cys). The tyrosine residue is moderately conserved and there is a large physicochemical difference between tyrosine and cysteine.

New York Genome Center
Classification: Uncertain significance for Luscan-Lumish syndrome. Last evaluated: 2020-06-04. Review status: criteria provided, single submitter. Criteria: NYGC Assertion Criteria 2020. Collection method: clinical testing. Allele origin: germline. Observed: 1 heterozygote. Study: CSER-NYCKidSeq.

NM_014159.7(SETD2):c.1256A>G (p.Tyr419Cys)

Gene: SETD2 (SET domain containing 2, histone lysine methyltransferase; minus strand). Cytogenetic location: 3p21.31.
Variant type: single nucleotide variant.
Coding change: c.1256A>G on transcript NM_014159.7 (MANE Select); coding-DNA position 1256, A replaced by G.
Protein change: p.Tyr419Cys; replaces tyrosine 419 with cysteine.
Molecular consequence: missense variant. On other transcripts: non-coding transcript variant (1).
Genome position (GRCh38, 1-based): chr3:47,123,380, T>C on the plus strand (A>G on the coding strand, the complement: SETD2 is on the minus strand). VCF-style: chr3-47123380-T-C. GRCh37 (hg19) VCF-style: chr3-47164870-T-C.
Other names: c.1124A>G, p.Tyr375Cys (NM_001349370.3); short protein forms Y375C, Y419C.
Identifiers: ClinVar variation 1024617 (VCV001024617.7), dbSNP rs546591954, ClinGen allele CA2363700.